The following is an entry in ClinVar:

ClinVar aggregate classification (germline): Likely pathogenic (0 of 4 stars; one submission).

Conditions:
JAG1-related disorder. Also called: JAG1-related condition; JAG1-related disorders.

Submission:

PreventionGenetics, part of Exact Sciences
Classification: Likely pathogenic for JAG1-related condition. Last evaluated: 2024-05-03. Review status: no assertion criteria provided. Collection method: clinical testing. Allele origin: germline.
Comment: The JAG1 c.2T>A variant is predicted to disrupt the translation initiation site (Start loss). This variant disrupts the translation initiation codon (Met1). To our knowledge, this variant has not been reported in the literature or in a large population database, indicating this variant is rare. An alternative variant predicted to result in start loss, described as c.3_4delGCinsTT, has been reported to occur de novo in a patient with Alagille syndrome (Colliton et al. 2001. PubMed ID: 11180599). Additionally, missense and truncating variants within exon 1, as well as deletions of exon 1, have been reported as pathogenic in patients with JAG1-related disease (Gilbert. 2019. PubMed ID: 31343788; Crosnier. 1999. PubMed ID: 10220506; Guegan. 2012. PubMed ID: 21752016). We classify this variant as likely pathogenic.

NM_000214.3(JAG1):c.2T>A (p.Met1Lys)

Gene: JAG1 (jagged canonical Notch ligand 1; minus strand). Cytogenetic location: 20p12.2.
Variant type: single nucleotide variant.
Coding change: c.2T>A on transcript NM_000214.3 (MANE Select); coding-DNA position 2, T replaced by A.
Protein change: p.Met1Lys; changes the start codon (methionine 1).
Molecular consequence: missense variant, initiator codon variant.
Genome position (GRCh38, 1-based): chr20:10,673,529, A>T on the plus strand (T>A on the coding strand, the complement: JAG1 is on the minus strand). VCF-style: chr20-10673529-A-T. GRCh37 (hg19) VCF-style: chr20-10654177-A-T.
Other names: short protein forms M1K.
Identifiers: ClinVar variation 3353487 (VCV003353487.1).